The following is an entry in ClinVar:

ClinVar aggregate classification (germline): Likely benign (1 of 4 stars; one submission).

Conditions:
human split-hand/foot malformation type 3.

gnomAD v4.1: 1 of 1,558,982 alleles (0.000064%); highest among the groups gnomAD compares: South Asian, 0.0012%; no homozygotes.

Submission:

Centre for Medical Genetics,  Mumbai
Classification: Likely benign for human split-hand/foot malformation type 3. Last evaluated: 2026-02-18. Review status: criteria provided, single submitter. Criteria: ACMG Guidelines, 2015. Collection method: provider interpretation. Allele origin: germline. Inheritance: Autosomal dominant inheritance. Affected: no. Observed: 1 heterozygote.
Comment: The variant satisfies PM2 criteria; Extremely low frequency in gnomAD population databases. The variant satisfies BP4 criteria; For a missense or a splice region variant, computational prediction tools unanimously support a benign effect on the gene. However, the variant satisfies BS2 criteria.

Literature cited by the submitters: PubMed 12974740.

NM_022039.4(FBXW4):c.1442+3G>A

Gene: FBXW4 (F-box and WD repeat domain containing 4; minus strand). Cytogenetic location: 10q24.32.
Variant type: single nucleotide variant.
Coding change: c.1442+3G>A on transcript NM_022039.4 (MANE Select); 3 bases into the intron after coding-DNA position 1442, G replaced by A.
Molecular consequence: intron variant.
Genome position (GRCh38, 1-based): chr10:101,612,334, C>T on the plus strand (G>A on the coding strand, the complement: FBXW4 is on the minus strand). VCF-style: chr10-101612334-C-T. GRCh37 (hg19) VCF-style: chr10-103372091-C-T.
Other names: c.716+3G>A (NM_001323541.2).
Identifiers: ClinVar variation 4795870 (VCV004795870.1).